The following is an entry in ClinVar:

NM_001267550.2(TTN):c.102433G>A (p.Ala34145Thr)

Genes: TTN-AS1 (TTN antisense RNA 1; plus strand), TTN (titin; minus strand). Cytogenetic location: 2q31.2.
Variant type: single nucleotide variant.
Coding change: c.102433G>A on transcript NM_001267550.2 (MANE Select); coding-DNA position 102433, G replaced by A.
Protein change: p.Ala34145Thr; replaces alanine 34145 with threonine.
Molecular consequence: missense variant.
Genome position (GRCh38, 1-based): chr2:178,534,182, C>T on the plus strand (G>A on the coding strand, the complement: TTN is on the minus strand). VCF-style: chr2-178534182-C-T. GRCh37 (hg19) VCF-style: chr2-179398909-C-T.
Other names: p.Ala31577Thr; c.97510G>A, p.Ala32504Thr (NM_001256850.1); c.75238G>A, p.Ala25080Thr (NM_003319.4); c.94729G>A, p.Ala31577Thr (NM_133378.4); c.75613G>A, p.Ala25205Thr (NM_133432.3); c.75814G>A, p.Ala25272Thr (NM_133437.4); short protein forms A25080T, A32504T, A25205T, A25272T, A31577T, A34145T.
Identifiers: ClinVar variation 1040413 (VCV001040413.8), dbSNP rs542891030, ClinGen allele CA1985752.

ClinVar aggregate classification (germline): Uncertain significance. Review status: criteria provided, multiple submitters, no conflicts (2 of 4 stars). 2 submissions from 2 submitters: Uncertain significance (2). Last evaluated 2023-06-23.

Conditions:
Dilated cardiomyopathy 1G (CMD1G). Identifiers: Orphanet 154, MedGen C1858763, MONDO:0011400, OMIM 604145.
Autosomal recessive limb-girdle muscular dystrophy type 2J (LGMDR10). Also called: Limb-girdle muscular dystrophy, type 2J; MUSCULAR DYSTROPHY, LIMB-GIRDLE, AUTOSOMAL RECESSIVE 10. Identifiers: Orphanet 140922, MedGen C1837342, MONDO:0012127, OMIM 608807.

Allele frequency attached by ClinVar (database versions not stated): gnomAD exomes below 0.00001 and 0.00002; gnomAD 0.00001; TOPMed 0.00001; ExAC 0.00002; 1000 Genomes Project 30x 0.00016; 1000 Genomes Project 0.00020.
gnomAD v4.1: 3 of 1,613,954 alleles (0.00019%); highest among the groups gnomAD compares: East Asian, 0.0067%; no homozygotes.

Submissions (2):

Mayo Clinic Laboratories, Mayo Clinic
Classification: Uncertain significance. Last evaluated: 2023-06-23. Review status: criteria provided, single submitter. Criteria: ACMG Guidelines, 2015. Collection method: clinical testing. Allele origin: germline. Observed: 1 variant allele.
Comment: BP4

Labcorp Genetics (formerly Invitae), Labcorp
Classification: Uncertain significance for Dilated cardiomyopathy 1G; Autosomal recessive limb-girdle muscular dystrophy type 2J. Last evaluated: 2020-04-08. Review status: criteria provided, single submitter. Criteria: Invitae Variant Classification Sherloc (09022015). Collection method: clinical testing. Allele origin: germline.
Comment: This variant is present in population databases (rs542891030, ExAC 0.02%). In summary, the available evidence is currently insufficient to determine the role of this variant in disease. Therefore, it has been classified as a Variant of Uncertain Significance. Algorithms developed to predict the effect of missense changes on protein structure and function are unavailable for the TTN gene. This variant is located in the M band of TTN (PMID: 25589632). Variants in this region may be relevant for neuromuscular disorders, but have not been definitively shown to cause cardiomyopathy (PMID: 23975875). This variant has not been reported in the literature in individuals with TTN-related conditions. This sequence change replaces alanine with threonine at codon 34145 of the TTN protein (p.Ala34145Thr). There is a small physicochemical difference between alanine and threonine.

Literature cited by the submitters: PubMed 25589632 (cited by Labcorp Genetics (formerly Invitae), Labcorp); PubMed 23975875 (cited by Labcorp Genetics (formerly Invitae), Labcorp).